The following is an entry in ClinVar:

ClinVar aggregate classification (germline): Uncertain significance (1 of 4 stars; one submission).

Conditions:
Axenfeld-Rieger syndrome type 3 (RIEG3). Also called: AXENFELD-RIEGER ANOMALY WITH CARDIAC DEFECTS AND/OR SENSORINEURAL HEARING LOSS. Identifiers: Orphanet 782, MedGen C2678503, MONDO:0011233, OMIM 602482.

Allele frequency attached by ClinVar (database versions not stated): gnomAD exomes below 0.00001.

Submission:

Labcorp Genetics (formerly Invitae), Labcorp
Classification: Uncertain significance for Axenfeld-Rieger syndrome type 3. Last evaluated: 2025-05-05. Review status: criteria provided, single submitter. Criteria: Invitae Variant Classification Sherloc (09022015). Collection method: clinical testing. Allele origin: germline.
Comment: This variant, c.1337_1339del, is a complex sequence change that results in the deletion of 2 and insertion of 1 amino acid(s) in the FOXC1 protein (p.His446_Gly447delinsArg). This variant is not present in population databases (gnomAD no frequency). This variant has not been reported in the literature in individuals affected with FOXC1-related conditions. ClinVar contains an entry for this variant (Variation ID: 2913025). Experimental studies and prediction algorithms are not available or were not evaluated, and the functional significance of this variant is currently unknown. In summary, the available evidence is currently insufficient to determine the role of this variant in disease. Therefore, it has been classified as a Variant of Uncertain Significance.

NM_001453.3(FOXC1):c.1337_1339del (p.His446_Gly447delinsArg)

Gene: FOXC1 (forkhead box C1; plus strand). Cytogenetic location: 6p25.3.
Variant type: Deletion.
Coding change: c.1337_1339del on transcript NM_001453.3 (MANE Select); coding-DNA positions 1337 to 1339, 3 bases deleted (ACG; older notation c.1337_1339delACG).
Protein change: p.His446_Gly447delinsArg.
Molecular consequence: inframe indel.
Genome position (GRCh38, 1-based): chr6:1,611,782-1,611,784, ACG deleted. VCF-style (leftmost placement, unchanged base first): chr6-1611781-CACG-C. GRCh37 (hg19) VCF-style: chr6-1612016-CACG-C.
Identifiers: ClinVar variation 2913025 (VCV002913025.3), dbSNP rs1762557058, ClinGen allele CA1605823144.